The following is an entry in ClinVar:

NM_006852.6(TLK2):c.2171G>A (p.Arg724Gln)

Gene: TLK2 (tousled like kinase 2; plus strand). Cytogenetic location: 17q23.2.
Variant type: single nucleotide variant.
Coding change: c.2171G>A on transcript NM_006852.6 (MANE Select); coding-DNA position 2171, G replaced by A.
Protein change: p.Arg724Gln; replaces arginine 724 with glutamine.
Molecular consequence: missense variant.
Genome position (GRCh38, 1-based): chr17:62,612,483, G>A. VCF-style: chr17-62612483-G-A. GRCh37 (hg19) VCF-style: chr17-60689844-G-A.
Other names: c.2171G>A (NM_006852.3); c.2237G>A, p.Arg746Gln (NM_001284333.3); c.2075G>A, p.Arg692Gln (NM_001284363.1, NM_001375272.1); c.1724G>A, p.Arg575Gln (NM_001330418.3, NM_001375273.1); c.2213G>A, p.Arg738Gln (NM_001375269.1); c.2171G>A, p.Arg724Gln (NM_001375270.1, NM_001375271.1); short protein forms R575Q, R692Q, R724Q, R738Q, R746Q.
Identifiers: ClinVar variation 1176059 (VCV001176059.38), dbSNP rs2147360582, ClinGen allele CA400516384.
Genomic context (GRCh38, chr17:62,612,483, plus strand): 5'-AGGAGGACCGCATTGATGTCCAGCAGCTGGCCTGTGATCCCTACTTGTTGCCTCACATCC[G>A]AAAGTCAGTCTCTACAAGTAGCCCTGCTGGAGCTGCTATTGCATCAACCTCTGGGGCGTC-3'
Protein context (NP_006843.2, residues 714-734): ACDPYLLPHI[Arg724Gln]KSVSTSSPAG

ClinVar aggregate classification (germline): Uncertain significance. Review status: criteria provided, multiple submitters, no conflicts (2 of 4 stars). 2 submissions from 2 submitters: Uncertain significance (2). Last evaluated 2021-04-01.

Conditions:
Inborn genetic diseases. Identifiers: MedGen C0950123, MeSH D030342.

Submissions (2):

CeGaT Center for Human Genetics Tuebingen
Classification: Uncertain significance. Last evaluated: 2021-04-01. Review status: criteria provided, single submitter. Criteria: CeGaT Center For Human Genetics Tuebingen Variant Classification Criteria Version 2. Collection method: clinical testing. Allele origin: germline. Affected: yes. Observed: 1 variant allele.

Ambry Genetics
Classification: Uncertain significance for Inborn genetic diseases. Last evaluated: 2021-02-22. Review status: criteria provided, single submitter. Criteria: Ambry Variant Classification Scheme 2023. Collection method: clinical testing. Allele origin: germline.
Comment: The c.2171G>A (p.R724Q) alteration is located in exon 22 (coding exon 21) of the TLK2 gene. This alteration results from a G to A substitution at nucleotide position 2171, causing the arginine (R) at amino acid position 724 to be replaced by a glutamine (Q). The p.R724Q alteration is predicted to be tolerated by in silico analysis. Based on insufficient or conflicting evidence, the clinical significance of this alteration remains unclear.